The following is an entry in ClinVar:

ClinVar aggregate classification (germline): Uncertain significance (1 of 4 stars; one submission).

Submission:

Labcorp Genetics (formerly Invitae), Labcorp
Classification: Uncertain significance. Last evaluated: 2024-04-16. Review status: criteria provided, single submitter. Criteria: Invitae Variant Classification Sherloc (09022015). Collection method: clinical testing. Allele origin: germline.
Comment: This sequence change replaces proline, which is neutral and non-polar, with arginine, which is basic and polar, at codon 782 of the DSG1 protein (p.Pro782Arg). This variant is not present in population databases (gnomAD no frequency). This variant has not been reported in the literature in individuals affected with DSG1-related conditions. Advanced modeling of protein sequence and biophysical properties (such as structural, functional, and spatial information, amino acid conservation, physicochemical variation, residue mobility, and thermodynamic stability) performed at Invitae indicates that this missense variant is not expected to disrupt DSG1 protein function with a negative predictive value of 80%. In summary, the available evidence is currently insufficient to determine the role of this variant in disease. Therefore, it has been classified as a Variant of Uncertain Significance.

NM_001942.4(DSG1):c.2345C>G (p.Pro782Arg)

Genes: DSG1 (desmoglein 1; plus strand), DSG1-AS1 (DSG1 antisense RNA 1; minus strand), LOC126862720 (MED14-independent group 3 enhancer GRCh37_chr18:28933613-28934812; plus strand). Cytogenetic location: 18q12.1.
Variant type: single nucleotide variant.
Coding change: c.2345C>G on transcript NM_001942.4 (MANE Select); coding-DNA position 2345, C replaced by G.
Protein change: p.Pro782Arg; replaces proline 782 with arginine.
Molecular consequence: missense variant.
Genome position (GRCh38, 1-based): chr18:31,354,541, C>G. VCF-style: chr18-31354541-C-G. GRCh37 (hg19) VCF-style: chr18-28934504-C-G.
Other names: short protein forms P782R.
Identifiers: ClinVar variation 3650148 (VCV003650148.2).